The following is an entry in ClinVar:

ClinVar aggregate classification (germline): Pathogenic (1 of 4 stars; one submission).

Conditions:
Neurofibromatosis, type 1 (NF1). Also called: Peripheral type neurofibromatosis; NEUROFIBROMATOSIS, TYPE I, SOMATIC; Neurofibromatosis, type I; VON RECKLINGHAUSEN DISEASE. Identifiers: Orphanet 636, MedGen C0027831, MONDO:0018975, OMIM 162200. Disease mechanism: loss of function.

Submission:

Labcorp Genetics (formerly Invitae), Labcorp
Classification: Pathogenic for Neurofibromatosis, type 1. Last evaluated: 2022-05-02. Review status: criteria provided, single submitter. Criteria: Invitae Variant Classification Sherloc (09022015). Collection method: clinical testing. Allele origin: germline.
Comment: For these reasons, this variant has been classified as Pathogenic. Algorithms developed to predict the effect of sequence changes on RNA splicing suggest that this variant may create or strengthen a splice site. This variant has not been reported in the literature in individuals affected with NF1-related conditions. This variant is not present in population databases (gnomAD no frequency). This sequence change creates a premature translational stop signal (p.Met294Asnfs*10) in the NF1 gene. It is expected to result in an absent or disrupted protein product. Loss-of-function variants in NF1 are known to be pathogenic (PMID: 10712197, 23913538).

Literature cited by the submitters: PubMed 10712197; PubMed 23913538.

NM_001042492.3(NF1):c.839_878dup (p.Asn293_Met294insAsnProGlyTyrIleGlnArgArgGlyTer)

Gene: NF1 (neurofibromin 1; plus strand). Cytogenetic location: 17q11.2.
Variant type: Duplication.
Coding change: c.839_878dup on transcript NM_001042492.3 (MANE Select); coding-DNA positions 839 to 878, 40 bases duplicated.
Protein change: p.Asn293_Met294insAsnProGlyTyrIleGlnArgArgGlyTer.
Molecular consequence: nonsense, inframe insertion. On other transcripts: frameshift variant (1).
Genome position (GRCh38, 1-based): chr17:31,182,616-31,182,655, 40 bases duplicated; duplicating any 40 consecutive bases within chr17:31,182,614-31,182,655 gives the same sequence; the c. name uses the placement nearest the transcript's 3' end. GRCh37 (hg19): chr17:29,509,634-29,509,673.
Other names: c.839_878dup, p.Met294Asnfs (NM_000267.4); c.839_878dup, p.Asn293_Met294insAsnProGlyTyrIleGlnArgArgGlyTer (NM_001128147.3).
Identifiers: ClinVar variation 2132252 (VCV002132252.4), dbSNP rs2544753973, ClinGen allele CA2580093223.